The following is an entry in ClinVar:

NM_002471.4(MYH6):c.4685G>T (p.Arg1562Leu)

Genes: MYH6 (myosin heavy chain 6; minus strand), LOC126861896 (BRD4-independent group 4 enhancer GRCh37_chr14:23854904-23856103; plus strand). Cytogenetic location: 14q11.2.
Variant type: single nucleotide variant.
Coding change: c.4685G>T on transcript NM_002471.4 (MANE Select); coding-DNA position 4685, G replaced by T.
Protein change: p.Arg1562Leu; replaces arginine 1562 with leucine.
Molecular consequence: missense variant.
Genome position (GRCh38, 1-based): chr14:23,386,589, C>A on the plus strand (G>T on the coding strand, the complement: MYH6 is on the minus strand). VCF-style: chr14-23386589-C-A. GRCh37 (hg19) VCF-style: chr14-23855798-C-A.
Other names: short protein forms R1562L.
Identifiers: ClinVar variation 870081 (VCV000870081.16), dbSNP rs371068881, ClinGen allele CA7114662.
Genomic context (GRCh38, chr14:23,386,589, plus strand): 5'-TCCTTCTCTGCCAGCTTCCGCTCGATCTCTGCCTTGATCTGGTTGAACTCTAGCTGGGCC[C>A]GGAGGATCTTGCCCTCCTCGTGCTCCAGGGAGGCCTGGGAAGGGGTGGGGCGAGGGCGGG-3'
Protein context (NP_002462.2, residues 1552-1572): SLEHEEGKIL[Arg1562Leu]AQLEFNQIKA

ClinVar aggregate classification (germline): Uncertain significance. Review status: criteria provided, multiple submitters, no conflicts (2 of 4 stars). 5 submissions from 5 submitters: Uncertain significance (5). Last evaluated 2025-07-16.

Conditions:
Cardiovascular phenotype. Identifiers: MedGen CN230736.
Hypertrophic cardiomyopathy 1 (CMH1). Also called: Familial hypertrophic cardiomyopathy 1; MYH7-Related Familial Hypertrophic Cardiomyopathy. Identifiers: MedGen C3495498, MONDO:0008647, OMIM 192600.
Sick sinus syndrome 3, susceptibility to (SSS3). Identifiers: Orphanet 166282, MedGen C3279791, MONDO:0013568, OMIM 614090.
Dilated cardiomyopathy 1EE (CMD1EE). Identifiers: Orphanet 154, MedGen C2750466, MONDO:0013198, OMIM 613252.
Hypertrophic cardiomyopathy 14. Identifiers: MedGen C2750467, MONDO:0013197, OMIM 613251.
Atrial septal defect 3 (ASD3). Identifiers: Orphanet 1478, MedGen C3279790, MONDO:0013567, OMIM 614089.

Allele frequency attached by ClinVar (database versions not stated): TOPMed 0.00001; ESP Exome Variant Server 0.00008.
gnomAD v4.1: 25 of 1,495,964 alleles (0.0017%); highest among the groups gnomAD compares: Non-Finnish European, 0.0022%; no homozygotes.

Submissions (5):

Labcorp Genetics (formerly Invitae), Labcorp
Classification: Uncertain significance for Hypertrophic cardiomyopathy 14. Last evaluated: 2025-07-16. Review status: criteria provided, single submitter. Criteria: Invitae Variant Classification Sherloc (09022015). Collection method: clinical testing. Allele origin: germline.
Comment: This sequence change replaces arginine, which is basic and polar, with leucine, which is neutral and non-polar, at codon 1562 of the MYH6 protein (p.Arg1562Leu). The frequency data for this variant in the population databases is considered unreliable, as metrics indicate poor data quality at this position in the gnomAD database. This variant has not been reported in the literature in individuals affected with MYH6-related conditions. ClinVar contains an entry for this variant (Variation ID: 870081). Invitae Evidence Modeling of protein sequence and biophysical properties (such as structural, functional, and spatial information, amino acid conservation, physicochemical variation, residue mobility, and thermodynamic stability) indicates that this missense variant is expected to disrupt MYH6 protein function with a positive predictive value of 80%. In summary, the available evidence is currently insufficient to determine the role of this variant in disease. Therefore, it has been classified as a Variant of Uncertain Significance.

Ambry Genetics
Classification: Uncertain significance for Cardiovascular phenotype. Last evaluated: 2025-01-04. Review status: criteria provided, single submitter. Criteria: Ambry Variant Classification Scheme 2023. Collection method: clinical testing. Allele origin: germline.
Comment: The p.R1562L variant (also known as c.4685G>T), located in coding exon 31 of the MYH6 gene, results from a G to T substitution at nucleotide position 4685. The arginine at codon 1562 is replaced by leucine, an amino acid with dissimilar properties. A different variant affecting this codon (p.R1562W, c.4684C>T) has been detected in a hypertrophic cardiomyopathy cohort; however, details were limited (Mademont-Soler I et al. PLoS ONE, 2017 Aug;12:e0181465). This amino acid position is highly conserved in available vertebrate species. In addition, this alteration is predicted to be deleterious by in silico analysis. Since supporting evidence is limited at this time, the clinical significance of this alteration remains unclear.

AiLife Diagnostics
Classification: Uncertain significance. Last evaluated: 2022-03-09. Review status: criteria provided, single submitter. Criteria: ACMG Guidelines, 2015. Collection method: clinical testing. Allele origin: germline. Affected: yes. Observed: 2 variant alleles.

Fulgent Genetics
Classification: Uncertain significance for Hypertrophic cardiomyopathy 1; Hypertrophic cardiomyopathy 14; Dilated cardiomyopathy 1EE; Atrial septal defect 3; Sick sinus syndrome 3, susceptibility to. Last evaluated: 2021-07-16. Review status: criteria provided, single submitter. Criteria: ACMG Guidelines, 2015. Collection method: clinical testing. Allele origin: unknown.

Agnes Ginges Centre for Molecular Cardiology, Centenary Institute
Classification: Uncertain significance for Hypertrophic cardiomyopathy 14. Last evaluated: 2018-10-16. Review status: criteria provided, single submitter. Criteria: ACMG Guidelines, 2015. Collection method: research. Allele origin: germline. Inheritance: Autosomal dominant inheritance. Affected: yes.
Comment: MYH6 Arg1562Leu has not been previously reported but is present in population databases such as the Genome Aggregation Database (AF= 0.000002). In silico tools SIFT, MutationTaster and PolyPhen2 predict this variant to be deleterious. Based on this information we classify this as a variant of 'uncertain significance'.

Literature cited by the submitters: PubMed 28771489 (cited by Ambry Genetics).